The following is an entry in ClinVar:

NM_003235.5(TG):c.6000C>G (p.Cys2000Trp)

Gene: TG (thyroglobulin; plus strand). Cytogenetic location: 8q24.22.
Variant type: single nucleotide variant.
Coding change: c.6000C>G on transcript NM_003235.5 (MANE Select); coding-DNA position 6000, C replaced by G.
Protein change: p.Cys2000Trp; replaces cysteine 2000 with tryptophan.
Molecular consequence: missense variant.
Genome position (GRCh38, 1-based): chr8:132,971,818, C>G. VCF-style: chr8-132971818-C-G. GRCh37 (hg19) VCF-style: chr8-133984063-C-G.
Other names: short protein forms C2000W.
Identifiers: ClinVar variation 3902193 (VCV003902193.1).
Genomic context (GRCh38, chr8:132,971,818, plus strand): 5'-AAACCTTCAGGCCTGCTCTTTCTCTTCCTATGCCAGGTTCTTTGAATGTGAACGACGGTG[C>G]GATGCGGACCCATGCTGCACTGGCTTTGGATTTCTAAATGTTTCCCAGTTAAAAGGTAAT-3'
Protein context (NP_003226.4, residues 1990-2010): SNGFFECERR[Cys2000Trp]DADPCCTGFG

ClinVar aggregate classification (germline): Uncertain significance (1 of 4 stars; one submission).

gnomAD v4.1: 7 of 1,613,314 alleles (0.00043%); highest among the groups gnomAD compares: Non-Finnish European, 0.00059%; no homozygotes.

Submission:

Women's Health and Genetics/Laboratory Corporation of America, LabCorp
Classification: Uncertain significance. Last evaluated: 2025-05-15. Review status: criteria provided, single submitter. Criteria: LabCorp Variant Classification Summary - May 2015. Collection method: clinical testing. Allele origin: germline.
Comment: Variant summary: TG c.6000C>G (p.Cys2000Trp) results in a non-conservative amino acid change in the encoded protein sequence. Algorithms developed to predict the effect of missense changes on protein structure and function are either unavailable or do not agree on the potential impact of this missense change. The variant was absent in 251322 control chromosomes. The available data on variant occurrences in the general population are insufficient to allow any conclusion about variant significance. c.6000C>G has been observed in individuals affected with TG-Related Disorders carrying alternate TG variants in cis and trans to the variant (e.g. Citterio_2013). These report(s) do not provide unequivocal conclusions about association of the variant with TG-Related Disorders. To our knowledge, no experimental evidence demonstrating an impact on protein function has been reported. The following publication has been ascertained in the context of this evaluation (PMID: 23164529). No submitters have cited clinical-significance assessments for this variant to ClinVar. Based on the evidence outlined above, the variant was classified as uncertain significance.

Literature cited by the submitters: PubMed 23164529.